The following is an entry in ClinVar:

ClinVar aggregate classification (germline): Uncertain significance (1 of 4 stars; one submission).

Conditions:
NIK deficiency. Also called: Primary immunodeficiency with multifaceted aberrant lymphoid immunity. Identifiers: Orphanet 447731, MedGen C5680065, MONDO:0018642.

Submission:

Labcorp Genetics (formerly Invitae), Labcorp
Classification: Uncertain significance for NIK deficiency. Last evaluated: 2022-03-02. Review status: criteria provided, single submitter. Criteria: Invitae Variant Classification Sherloc (09022015). Collection method: clinical testing. Allele origin: germline.
Comment: This variant is not present in population databases (gnomAD no frequency). This sequence change replaces glutamic acid, which is acidic and polar, with aspartic acid, which is acidic and polar, at codon 767 of the MAP3K14 protein (p.Glu767Asp). This variant has not been reported in the literature in individuals affected with MAP3K14-related conditions. In summary, the available evidence is currently insufficient to determine the role of this variant in disease. Therefore, it has been classified as a Variant of Uncertain Significance. Experimental studies and prediction algorithms are not available or were not evaluated, and the functional significance of this variant is currently unknown.

NM_003954.5(MAP3K14):c.2301G>T (p.Glu767Asp)

Genes: MAP3K14-AS1 (MAP3K14 antisense RNA 1; plus strand), MAP3K14 (mitogen-activated protein kinase kinase kinase 14; minus strand), LOC126862575 (CDK7 strongly-dependent group 2 enhancer GRCh37_chr17:43344006-43345205; plus strand). Cytogenetic location: 17q21.31.
Variant type: single nucleotide variant.
Coding change: c.2301G>T on transcript NM_003954.5 (MANE Select); coding-DNA position 2301, G replaced by T.
Protein change: p.Glu767Asp; replaces glutamic acid 767 with aspartic acid.
Molecular consequence: missense variant.
Genome position (GRCh38, 1-based): chr17:45,267,431, C>A on the plus strand (G>T on the coding strand, the complement: MAP3K14 is on the minus strand). VCF-style: chr17-45267431-C-A. GRCh37 (hg19) VCF-style: chr17-43344798-C-A.
Other names: short protein forms E767D.
Identifiers: ClinVar variation 2105606 (VCV002105606.4), dbSNP rs142428947, ClinGen allele CA399874766.